The following is an entry in ClinVar:

NM_001903.5(CTNNA1):c.1970A>G (p.Gln657Arg)

Gene: CTNNA1 (catenin alpha 1; plus strand). Cytogenetic location: 5q31.2.
Variant type: single nucleotide variant.
Coding change: c.1970A>G on transcript NM_001903.5 (MANE Select); coding-DNA position 1970, A replaced by G.
Protein change: p.Gln657Arg; replaces glutamine 657 with arginine.
Molecular consequence: missense variant.
Genome position (GRCh38, 1-based): chr5:138,929,316, A>G. VCF-style: chr5-138929316-A-G. GRCh37 (hg19) VCF-style: chr5-138265005-A-G.
Other names: c.860A>G, p.Gln287Arg (NM_001324003.1, NM_001324004.1, NM_001324005.1 and 17 more transcripts); c.521A>G, p.Gln174Arg (NM_001324006.1, NM_001324007.1, NM_001324008.1 and 2 more transcripts); c.767A>G, p.Gln256Arg (NM_001324011.1); c.617A>G, p.Gln206Arg (NM_001324012.1, NM_001324013.1); c.1970A>G, p.Gln657Arg (NM_001290307.3, NM_001323982.2, NM_001323983.1 and 2 more transcripts); c.1661A>G, p.Gln554Arg (NM_001290309.3); c.1601A>G, p.Gln534Arg (NM_001290310.3); c.1877A>G, p.Gln626Arg (NM_001323986.2); short protein forms Q256R, Q206R, Q287R, Q534R, Q174R, Q626R, Q554R, Q657R.
Identifiers: ClinVar variation 3012217 (VCV003012217.3), dbSNP rs2533821341, ClinGen allele CA361132832.

ClinVar aggregate classification (germline): Uncertain significance (1 of 4 stars; one submission).

Submission:

Labcorp Genetics (formerly Invitae), Labcorp
Classification: Uncertain significance. Last evaluated: 2022-11-07. Review status: criteria provided, single submitter. Criteria: Invitae Variant Classification Sherloc (09022015). Collection method: clinical testing. Allele origin: germline.
Comment: In summary, the available evidence is currently insufficient to determine the role of this variant in disease. Therefore, it has been classified as a Variant of Uncertain Significance. Advanced modeling of protein sequence and biophysical properties (such as structural, functional, and spatial information, amino acid conservation, physicochemical variation, residue mobility, and thermodynamic stability) performed at Invitae indicates that this missense variant is not expected to disrupt CTNNA1 protein function. This variant has not been reported in the literature in individuals affected with CTNNA1-related conditions. This variant is not present in population databases (gnomAD no frequency). This sequence change replaces glutamine, which is neutral and polar, with arginine, which is basic and polar, at codon 657 of the CTNNA1 protein (p.Gln657Arg).